The following is an entry in ClinVar:

NM_001330700.2(TOP2B):c.3511C>T (p.Arg1171Ter)

Gene: TOP2B (DNA topoisomerase II beta; minus strand). Cytogenetic location: 3p24.2.
Variant type: single nucleotide variant.
Coding change: c.3511C>T on transcript NM_001330700.2 (MANE Select); coding-DNA position 3511, C replaced by T.
Protein change: p.Arg1171Ter; replaces arginine 1171 with a stop codon.
Molecular consequence: nonsense.
Genome position (GRCh38, 1-based): chr3:25,615,285, G>A on the plus strand (C>T on the coding strand, the complement: TOP2B is on the minus strand). VCF-style: chr3-25615285-G-A. GRCh37 (hg19) VCF-style: chr3-25656776-G-A.
Other names: c.3496C>T, p.Arg1166Ter (NM_001068.3); short protein forms R1166*, R1171*.
Identifiers: ClinVar variation 4781840 (VCV004781840.1).
Genomic context (GRCh38, chr3:25,615,285, plus strand): 5'-CCGCTAAATCCTCTTTCCAAAGATCTGAAGGAGATTTTCTTTTAAGATCATTGACCTCTC[G>A]CCCCTATAATAAAAAAGTACAGTTTAAACATTCAATAGTTTTAAAACATATGAAGGATAA-3'

ClinVar aggregate classification (germline): Uncertain significance (1 of 4 stars; one submission).

gnomAD v4.1: 2 of 1,607,460 alleles (0.00012%); highest among the groups gnomAD compares: East Asian, 0.0022%; no homozygotes.

Submission:

Labcorp Genetics (formerly Invitae), Labcorp
Classification: Uncertain significance. Last evaluated: 2025-07-07. Review status: criteria provided, single submitter. Criteria: Invitae Variant Classification Sherloc (09022015). Collection method: clinical testing. Allele origin: germline.
Comment: This sequence change creates a premature translational stop signal (p.Arg1166*) in the TOP2B gene. It is expected to result in an absent or disrupted protein product. However, the current clinical and genetic evidence is not sufficient to establish whether loss-of-function variants in TOP2B cause disease. This variant is present in population databases (rs777708678, gnomAD 0.005%). This variant has not been reported in the literature in individuals affected with TOP2B-related conditions. In summary, the available evidence is currently insufficient to determine the role of this variant in disease. Therefore, it has been classified as a Variant of Uncertain Significance.